The following is an entry in ClinVar:

NC_000019.10:g.(?_38502501)_(38502976_?)del

Gene: RYR1 (ryanodine receptor 1; plus strand). Cytogenetic location: 19q13.2.
Variant type: Deletion.
Identifiers: ClinVar variation 665634 (VCV000665634.3).

ClinVar aggregate classification (germline): Pathogenic (1 of 4 stars; one submission).

Conditions:
RYR1-related disorder. Also called: RYR1-related condition; RYR1-related disorders. Identifiers: MedGen CN239331.

Submission:

Labcorp Genetics (formerly Invitae), Labcorp
Classification: Pathogenic for RYR1-related disorder. Last evaluated: 2021-09-02. Review status: criteria provided, single submitter. Criteria: Invitae Variant Classification Sherloc (09022015). Collection method: clinical testing. Allele origin: germline.
Comment: This variant is a gross deletion of the genomic region encompassing exon(s) 48-49 of the RYR1 gene. This variant would be expected to be in-frame, preserving the integrity of the reading frame. This variant has not been reported in the literature in individuals affected with RYR1-related conditions. This variant disrupts a region of the RYR1 protein in which other variant(s) (p.Val2586Glu) have been determined to be pathogenic (Invitae). This suggests that this is a clinically significant region of the protein, and that variants that disrupt it are likely to be disease-causing. For these reasons, this variant has been classified as Pathogenic.